The following is an entry in ClinVar:

NM_000047.3(ARSL):c.1568C>G (p.Thr523Ser)

Gene: ARSL (arylsulfatase L; minus strand). Cytogenetic location: Xp22.33.
Variant type: single nucleotide variant.
Coding change: c.1568C>G on transcript NM_000047.3 (MANE Select); coding-DNA position 1568, C replaced by G.
Protein change: p.Thr523Ser; replaces threonine 523 with serine.
Molecular consequence: missense variant.
Genome position (GRCh38, 1-based): chrX:2,935,034, G>C on the plus strand (C>G on the coding strand, the complement: ARSL is on the minus strand). VCF-style: chrX-2935034-G-C. GRCh37 (hg19) VCF-style: chrX-2853075-G-C.
Other names: c.1643C>G, p.Thr548Ser (NM_001282628.2, NM_001369080.1); c.1406C>G, p.Thr469Ser (NM_001282631.2, NM_001440750.1); c.1595C>G, p.Thr532Ser (NM_001369079.1); c.1568C>G, p.Thr523Ser (NM_001440751.1); short protein forms T469S, T532S, T523S, T548S.
Identifiers: ClinVar variation 4741351 (VCV004741351.1).

ClinVar aggregate classification (germline): Uncertain significance (1 of 4 stars; one submission).

Conditions:
Chondrodysplasia punctata, brachytelephalangic, autosomal. Also called: BRACHYTELEPHALANGIC CHONDRODYSPLASIA PUNCTATA. Identifiers: MedGen C1844853, MONDO:0011238, OMIM 602497.

Submission:

Labcorp Genetics (formerly Invitae), Labcorp
Classification: Uncertain significance for Chondrodysplasia punctata, brachytelephalangic, autosomal. Last evaluated: 2025-06-22. Review status: criteria provided, single submitter. Criteria: Invitae Variant Classification Sherloc (09022015). Collection method: clinical testing. Allele origin: germline.
Comment: This sequence change replaces threonine, which is neutral and polar, with serine, which is neutral and polar, at codon 523 of the ARSE protein (p.Thr523Ser). This variant is present in population databases (rs141712265, gnomAD 0.006%). This variant has not been reported in the literature in individuals affected with ARSE-related conditions. Invitae Evidence Modeling of protein sequence and biophysical properties (such as structural, functional, and spatial information, amino acid conservation, physicochemical variation, residue mobility, and thermodynamic stability) indicates that this missense variant is not expected to disrupt ARSE protein function with a negative predictive value of 80%. In summary, the available evidence is currently insufficient to determine the role of this variant in disease. Therefore, it has been classified as a Variant of Uncertain Significance.